The following is an entry in ClinVar:

ClinVar aggregate classification (germline): Uncertain significance. Review status: criteria provided, multiple submitters, no conflicts (2 of 4 stars). 2 submissions from 2 submitters: Uncertain significance (2). Last evaluated 2026-07-09.

Conditions:
Hereditary cancer-predisposing syndrome. Also called: Tumor predisposition; Hereditary neoplastic syndrome; Neoplastic Syndromes, Hereditary; Hereditary Cancer Syndrome. Identifiers: Orphanet 140162, MedGen C0027672, MeSH D009386, MONDO:0015356.
Cardiovascular phenotype. Identifiers: MedGen CN230736.
Juvenile myelomonocytic leukemia (JMML). Also called: LEUKEMIA, JUVENILE MYELOMONOCYTIC, SOMATIC. Identifiers: Orphanet 86834, MedGen C0349639, MONDO:0011908, OMIM 607785, HP:0012209.

Allele frequency attached by ClinVar (database versions not stated): gnomAD exomes below 0.00001.
gnomAD v4.1: 1 of 1,613,962 alleles (0.000062%); no homozygotes.

Submissions (2):

Ambry Genetics
Classification: Uncertain significance for Cardiovascular phenotype; Hereditary cancer-predisposing syndrome. Last evaluated: 2026-07-09. Review status: criteria provided, single submitter. Criteria: Ambry Variant Classification Scheme 2023. Collection method: clinical testing. Allele origin: germline.
Comment: The p.D2056N variant (also known as c.6166G>A), located in coding exon 41 of the NF1 gene, results from a G to A substitution at nucleotide position 6166. The aspartic acid at codon 2056 is replaced by asparagine, an amino acid with highly similar properties. This amino acid position is highly conserved in available vertebrate species. In addition, this alteration is predicted to be tolerated by in silico analysis. Based on the available evidence, the clinical significance of this variant remains unclear.

Baylor Genetics
Classification: Uncertain significance for Juvenile myelomonocytic leukemia. Last evaluated: 2024-02-02. Review status: criteria provided, single submitter. Criteria: ACMG Guidelines, 2015. Collection method: clinical testing. Allele origin: unknown.

NM_001042492.3(NF1):c.6229G>A (p.Asp2077Asn)

Gene: NF1 (neurofibromin 1; plus strand). Cytogenetic location: 17q11.2.
Variant type: single nucleotide variant.
Coding change: c.6229G>A on transcript NM_001042492.3 (MANE Select); coding-DNA position 6229, G replaced by A.
Protein change: p.Asp2077Asn; replaces aspartic acid 2077 with asparagine.
Molecular consequence: missense variant.
Genome position (GRCh38, 1-based): chr17:31,336,716, G>A. VCF-style: chr17-31336716-G-A. GRCh37 (hg19) VCF-style: chr17-29663734-G-A.
Other names: c.6166G>A, p.Asp2056Asn (NM_000267.4); short protein forms D2056N, D2077N.
Identifiers: ClinVar variation 826218 (VCV000826218.6), dbSNP rs1597842830, ClinGen allele CA399012019.